The following is an entry in ClinVar:

NM_006915.3(RP2):c.496dup (p.Ile166fs)

Gene: RP2 (RP2 activator of ARL3 GTPase; plus strand). Cytogenetic location: Xp11.3.
Variant type: Duplication.
Coding change: c.496dup on transcript NM_006915.3 (MANE Select); coding-DNA position 496, one base duplicated (A; older notation c.496dupA).
Protein change: p.Ile166fs; shifts the reading frame from isoleucine 166.
Molecular consequence: frameshift variant.
Genome position (GRCh38, 1-based): chrX:46,853,869, A duplicated. VCF-style (leftmost placement, unchanged base first): chrX-46853868-T-TA. GRCh37 (hg19) VCF-style: chrX-46713303-T-TA.
Other names: short protein forms I166fs.
Identifiers: ClinVar variation 3722063 (VCV003722063.2).

ClinVar aggregate classification (germline): Pathogenic (1 of 4 stars; one submission).

Submission:

Labcorp Genetics (formerly Invitae), Labcorp
Classification: Pathogenic. Last evaluated: 2024-10-02. Review status: criteria provided, single submitter. Criteria: Invitae Variant Classification Sherloc (09022015). Collection method: clinical testing. Allele origin: germline.
Comment: This sequence change creates a premature translational stop signal (p.Ile166Asnfs*8) in the RP2 gene. It is expected to result in an absent or disrupted protein product. Loss-of-function variants in RP2 are known to be pathogenic (PMID: 11992260, 20625056). This variant is not present in population databases (gnomAD no frequency). This variant has not been reported in the literature in individuals affected with RP2-related conditions. For these reasons, this variant has been classified as Pathogenic.

Literature cited by the submitters: PubMed 11992260; PubMed 20625056.